The following is an entry in ClinVar:

ClinVar aggregate classification (germline): Uncertain significance (1 of 4 stars; one submission).

Conditions:
Hereditary cancer-predisposing syndrome. Also called: Neoplastic Syndromes, Hereditary; Tumor predisposition; Hereditary Cancer Syndrome; Hereditary neoplastic syndrome. Identifiers: Orphanet 140162, MedGen C0027672, MeSH D009386, MONDO:0015356.

Submission:

Ambry Genetics
Classification: Uncertain significance for Hereditary cancer-predisposing syndrome. Last evaluated: 2022-10-04. Review status: criteria provided, single submitter. Criteria: Ambry Variant Classification Scheme 2023. Collection method: clinical testing. Allele origin: germline.
Comment: The p.N58D variant (also known as c.172A>G), located in coding exon 2 of the FANCC gene, results from an A to G substitution at nucleotide position 172. The asparagine at codon 58 is replaced by aspartic acid, an amino acid with highly similar properties. This amino acid position is conserved. In addition, this alteration is predicted to be tolerated by in silico analysis. Since supporting evidence is limited at this time, the clinical significance of this alteration remains unclear.

NM_000136.3(FANCC):c.172A>G (p.Asn58Asp)

Gene: FANCC (FA complementation group C; minus strand). Cytogenetic location: 9q22.32.
Variant type: single nucleotide variant.
Coding change: c.172A>G on transcript NM_000136.3 (MANE Select); coding-DNA position 172, A replaced by G.
Protein change: p.Asn58Asp; replaces asparagine 58 with aspartic acid.
Molecular consequence: missense variant.
Genome position (GRCh38, 1-based): chr9:95,247,510, T>C on the plus strand (A>G on the coding strand, the complement: FANCC is on the minus strand). VCF-style: chr9-95247510-T-C. GRCh37 (hg19) VCF-style: chr9-98009792-T-C.
Other names: c.172A>G, p.Asn58Asp (NM_001243743.2, NM_001243744.2); short protein forms N58D.
Identifiers: ClinVar variation 1778934 (VCV001778934.2), dbSNP rs2542844370, ClinGen allele CA374340157.